The following is an entry in ClinVar:

ClinVar aggregate classification (germline): Uncertain significance (1 of 4 stars; one submission).

Allele frequency attached by ClinVar (database versions not stated): gnomAD exomes 0.00002 and 0.00013; gnomAD 0.00003; TOPMed 0.00009; ExAC 0.00015.

Submission:

Labcorp Genetics (formerly Invitae), Labcorp
Classification: Uncertain significance. Last evaluated: 2021-10-28. Review status: criteria provided, single submitter. Criteria: Invitae Variant Classification Sherloc (09022015). Collection method: clinical testing. Allele origin: germline.
Comment: This sequence change replaces threonine, which is neutral and polar, with isoleucine, which is neutral and non-polar, at codon 201 of the CCBE1 protein (p.Thr201Ile). This variant is present in population databases (rs755893600, gnomAD 0.2%). This variant has not been reported in the literature in individuals affected with CCBE1-related conditions. Algorithms developed to predict the effect of missense changes on protein structure and function are either unavailable or do not agree on the potential impact of this missense change (SIFT: "Deleterious"; PolyPhen-2: "Possibly Damaging"; Align-GVGD: "Class C15"). In summary, the available evidence is currently insufficient to determine the role of this variant in disease. Therefore, it has been classified as a Variant of Uncertain Significance.

NM_133459.4(CCBE1):c.602C>T (p.Thr201Ile)

Gene: CCBE1 (collagen and calcium binding EGF domains 1; minus strand). Cytogenetic location: 18q21.32.
Variant type: single nucleotide variant.
Coding change: c.602C>T on transcript NM_133459.4 (MANE Select); coding-DNA position 602, C replaced by T.
Protein change: p.Thr201Ile; replaces threonine 201 with isoleucine.
Molecular consequence: missense variant.
Genome position (GRCh38, 1-based): chr18:59,454,903, G>A on the plus strand (C>T on the coding strand, the complement: CCBE1 is on the minus strand). VCF-style: chr18-59454903-G-A. GRCh37 (hg19) VCF-style: chr18-57122135-G-A.
Other names: short protein forms T201I.
Identifiers: ClinVar variation 1482391 (VCV001482391.4), dbSNP rs755893600, ClinGen allele CA8980407.